The following is an entry in ClinVar:

NM_014795.4(ZEB2):c.1027C>T (p.Arg343Ter)

Gene: ZEB2 (zinc finger E-box binding homeobox 2; minus strand). Cytogenetic location: 2q22.3.
Variant type: single nucleotide variant.
Coding change: c.1027C>T on transcript NM_014795.4 (MANE Select); coding-DNA position 1027, C replaced by T.
Protein change: p.Arg343Ter; replaces arginine 343 with a stop codon.
Molecular consequence: nonsense.
Genome position (GRCh38, 1-based): chr2:144,400,160, G>A on the plus strand (C>T on the coding strand, the complement: ZEB2 is on the minus strand). VCF-style: chr2-144400160-G-A. GRCh37 (hg19) VCF-style: chr2-145157727-G-A.
Other names: c.955C>T, p.Arg319Ter (NM_001171653.2); short protein forms R343*, R319*.
Identifiers: ClinVar variation 189281 (VCV000189281.29), dbSNP rs786204815, ClinGen allele CA274523.

ClinVar aggregate classification (germline): Pathogenic. Review status: criteria provided, multiple submitters, no conflicts (2 of 4 stars). 12 submissions from 12 submitters: Pathogenic (10). 2 of the submissions do not count toward it. Last evaluated 2026-10-30.

Conditions:
Mowat-Wilson syndrome (MOWS). Also called: Classic Mowat-Wilson Syndrome. Identifiers: Orphanet 2152, MedGen C1856113, MONDO:0009341, OMIM 235730.
Inborn genetic diseases. Identifiers: MedGen C0950123, MeSH D030342.

Submissions (12):

Institute of Medical Genetics and Applied Genomics, University Hospital Tübingen
Classification: Pathogenic for Mowat-Wilson syndrome. Last evaluated: 2026-10-30. Review status: criteria provided, single submitter. Criteria: ACMG Guidelines, 2015. Collection method: clinical testing. Allele origin: de novo. Inheritance: Autosomal dominant inheritance. Affected: yes.

Labcorp Genetics (formerly Invitae), Labcorp
Classification: Pathogenic for Mowat-Wilson syndrome. Last evaluated: 2024-01-19. Review status: criteria provided, single submitter. Criteria: Invitae Variant Classification Sherloc (09022015). Collection method: clinical testing. Allele origin: germline.
Comment: This sequence change creates a premature translational stop signal (p.Arg343*) in the ZEB2 gene. It is expected to result in an absent or disrupted protein product. Loss-of-function variants in ZEB2 are known to be pathogenic (PMID: 16053902). This variant is not present in population databases (gnomAD no frequency). This premature translational stop signal has been observed in individuals with Mowat-Wilson syndrome (PMID: 12784289, 15121779, 19842203, 24715670). ClinVar contains an entry for this variant (Variation ID: 189281). For these reasons, this variant has been classified as Pathogenic.

Johns Hopkins Genomics, Johns Hopkins University
Classification: Pathogenic for Mowat-Wilson syndrome. Last evaluated: 2021-12-02. Review status: criteria provided, single submitter. Criteria: ACMG Guidelines, 2015. Collection method: clinical testing. Allele origin: germline.

Women's Health and Genetics/Laboratory Corporation of America, LabCorp
Classification: Pathogenic for Mowat-Wilson syndrome. Last evaluated: 2021-12-01. Review status: criteria provided, single submitter. Criteria: LabCorp Variant Classification Summary - May 2015. Collection method: clinical testing. Allele origin: germline.
Comment: Variant summary: ZEB2 c.1027C>T (p.Arg343X) results in a premature termination codon, predicted to cause a truncation of the encoded protein or absence of the protein due to nonsense mediated decay, which are commonly known mechanisms for disease. Truncations downstream of this position have been reported in affected individuals (HGMD). The variant was absent in 251184 control chromosomes (gnomAD). c.1027C>T has been reported in the literature in multiple individuals affected with Mowat-Wilson Syndrome (examples: Wilson_2003, Ishihara_2004, Yamada_2014, Schuster_2019). These data indicate that the variant is very likely to be associated with disease. To our knowledge, no experimental evidence demonstrating an impact on protein function has been reported. Five ClinVar submitters have assessed this variant after 2014, and all submissions have classified the variant as pathogenic. Based on the evidence outlined above, the variant was classified as pathogenic.

GeneDx
Classification: Pathogenic. Last evaluated: 2021-11-30. Review status: criteria provided, single submitter. Criteria: GeneDx Variant Classification Process June 2021. Collection method: clinical testing. Allele origin: germline. Affected: yes.
Comment: Nonsense variant predicted to result in protein truncation or nonsense mediated decay in a gene for which loss-of-function is a known mechanism of disease; Not observed in large population cohorts (Lek et al., 2016); This variant is associated with the following publications: (PMID: 25525159, 12784289, 31376723, 15384097, 19842203, 24715670, 25608121, 25899569, 16053902)

Genome-Nilou Lab
Classification: Pathogenic for Mowat-Wilson syndrome. Last evaluated: 2021-11-07. Review status: criteria provided, single submitter. Criteria: ACMG Guidelines, 2015. Collection method: clinical testing. Allele origin: germline. Affected: no.

Ambry Genetics
Classification: Pathogenic for Inborn genetic diseases. Last evaluated: 2021-06-17. Review status: criteria provided, single submitter. Criteria: Ambry Variant Classification Scheme 2023. Collection method: clinical testing. Allele origin: germline.
Comment: The c.1027C>T (p.R343*) alteration, located in exon 8 (coding exon 7) of the ZEB2 gene, consists of a C to T substitution at nucleotide position 1027. This changes the amino acid from an arginine (R) to a stop codon at amino acid position 343. This alteration is expected to result in loss of function by premature protein truncation or nonsense-mediated mRNA decay. Based on data from the Genome Aggregation Database (gnomAD), the ZEB2 c.1027C>T alteration was not observed, with coverage at this position. This alteration has been detected in several individuals with symptoms consistent with Mowat Wilson syndrome (Wilson, 2003; Zweier, 2005; Yamada, 2014; Paz, 2015).

Genetic Services Laboratory, University of Chicago
Classification: Pathogenic for Mowat-Wilson syndrome. Last evaluated: 2015-02-23. Review status: criteria provided, single submitter. Criteria: ACMG Guidelines, 2015. Collection method: clinical testing. Allele origin: germline. Affected: yes.

Eurofins Ntd Llc (ga)
Classification: Pathogenic. Last evaluated: 2014-05-18. Review status: criteria provided, single submitter. Criteria: EGL Classification Definitions 2015. Collection method: clinical testing. Allele origin: germline. Observed: 6 variant alleles, 6 heterozygotes.

Clinical Genetics Service, Universitary Hospital 12 de Octubre
Classification: Pathogenic for Mowat-Wilson syndrome. Review status: criteria provided, single submitter. Criteria: ACMG Guidelines, 2015. Collection method: clinical testing. Allele origin: de novo. Affected: yes.

Centre de Biologie Pathologie Génétique, Centre Hospitalier Universitaire de Lille
Classification: Pathogenic for Mowat-Wilson syndrome. Last evaluated: 2019-01-01. Review status: no assertion criteria provided. Collection method: clinical testing. Allele origin: de novo. Affected: yes. Not counted in ClinVar's aggregate classification.

Molecular Genetics Laboratory, Children's Mercy Hospital and Clinics
Classification: Pathogenic for Mowat-Wilson syndrome. Last evaluated: 2015-03-02. Review status: no assertion criteria provided. Collection method: clinical testing. Allele origin: unknown. Affected: yes. Not counted in ClinVar's aggregate classification.

Literature cited by the submitters: PubMed 16053902 (cited by Labcorp Genetics (formerly Invitae), Labcorp and Ambry Genetics); PubMed 12784289 (cited by 3 submitters); PubMed 15121779 (cited by Labcorp Genetics (formerly Invitae), Labcorp and Women's Health and Genetics/Laboratory Corporation of America, LabCorp); PubMed 19842203 (cited by Labcorp Genetics (formerly Invitae), Labcorp); PubMed 24715670 (cited by 4 submitters); PubMed 17958891 (cited by Johns Hopkins Genomics, Johns Hopkins University); PubMed 25608121 (cited by Johns Hopkins Genomics, Johns Hopkins University and Ambry Genetics); PubMed 31376723 (cited by Women's Health and Genetics/Laboratory Corporation of America, LabCorp).